The following is an entry in ClinVar:

ClinVar aggregate classification (germline): Likely benign. Review status: criteria provided, multiple submitters, no conflicts (2 of 4 stars). 2 submissions from 2 submitters: Likely benign (2). Last evaluated 2025-11-15.

Conditions:
Bardet-Biedl syndrome (BBS). Identifiers: Orphanet 110, MedGen C0752166, MONDO:0015229.
BBS9-related disorder. Also called: BBS9-related condition.

gnomAD v4.1: 5 of 1,613,024 alleles (0.00031%); highest among the groups gnomAD compares: Non-Finnish European, 0.00042%; no homozygotes.

Submissions (2):

Labcorp Genetics (formerly Invitae), Labcorp
Classification: Likely benign for Bardet-Biedl syndrome. Last evaluated: 2025-11-15. Review status: criteria provided, single submitter. Criteria: Invitae Variant Classification Sherloc (09022015). Collection method: clinical testing. Allele origin: germline.

PreventionGenetics, part of Exact Sciences
Classification: Likely benign for BBS9-related condition. Last evaluated: 2025-04-13. Review status: criteria provided, single submitter. Criteria: ACMG Guidelines, 2015. Collection method: clinical testing. Allele origin: germline.
Comment: This variant is classified as likely benign based on ACMG/AMP sequence variant interpretation guidelines (Richards et al. 2015 PMID: 25741868, with internal and published modifications).

NM_198428.3(BBS9):c.1884A>G (p.Gly628=)

Gene: BBS9 (Bardet-Biedl syndrome 9; plus strand). Cytogenetic location: 7p14.3.
Variant type: single nucleotide variant.
Coding change: c.1884A>G on transcript NM_198428.3 (MANE Select); coding-DNA position 1884, A replaced by G.
Protein change: p.Gly628=; no amino-acid change (glycine 628 retained).
Molecular consequence: synonymous variant. On other transcripts: non-coding transcript variant (3).
Genome position (GRCh38, 1-based): chr7:33,383,760, A>G. VCF-style: chr7-33383760-A-G. GRCh37 (hg19) VCF-style: chr7-33423372-A-G.
Other names: c.1779A>G, p.Gly593= (NM_001033604.2); c.1869A>G, p.Gly623= (NM_001033605.2); c.1884A>G, p.Gly628= (NM_001348036.1, NM_001348041.4, NM_001348043.3 and 3 more transcripts); c.1518A>G, p.Gly506= (NM_001348037.3, NM_001348045.3, NM_001348046.3); c.1611A>G, p.Gly537= (NM_001348038.3); c.1506A>G, p.Gly502= (NM_001348039.3); c.1764A>G, p.Gly588= (NM_001348040.3, NM_014451.4); c.1749A>G, p.Gly583= (NM_001348042.3); and 2 more.
Identifiers: ClinVar variation 2960628 (VCV002960628.4), dbSNP rs1825512215, ClinGen allele CA454458731.